The following is an entry in ClinVar:

ClinVar aggregate classification (germline): Likely benign. Review status: criteria provided, multiple submitters, no conflicts (2 of 4 stars). 2 submissions from 2 submitters: Likely benign (2). Last evaluated 2024-12-26.

Allele frequency attached by ClinVar (database versions not stated): TOPMed 0.00001; gnomAD exomes below 0.00001.
gnomAD v4.1: 4 of 1,614,040 alleles (0.00025%); highest among the groups gnomAD compares: East Asian, 0.0022%; no homozygotes.

Submissions (2):

Mayo Clinic Laboratories, Mayo Clinic
Classification: Likely benign. Last evaluated: 2024-12-26. Review status: criteria provided, single submitter. Criteria: ACMG Guidelines, 2015. Collection method: clinical testing. Allele origin: germline. Observed: 1 variant allele.
Comment: BP4, BP7

GeneDx
Classification: Likely benign. Last evaluated: 2017-02-27. Review status: criteria provided, single submitter. Criteria: GeneDx Variant Classification (06012015). Collection method: clinical testing. Allele origin: germline. Affected: yes.
Comment: This variant is considered likely benign or benign based on one or more of the following criteria: it is a conservative change, it occurs at a poorly conserved position in the protein, it is predicted to be benign by multiple in silico algorithms, and/or has population frequency not consistent with disease.

NM_000093.5(COL5A1):c.1390-4C>T

Gene: COL5A1 (collagen type V alpha 1 chain; plus strand). Cytogenetic location: 9q34.3.
Variant type: single nucleotide variant.
Coding change: c.1390-4C>T on transcript NM_000093.5 (MANE Select); 4 bases into the intron before coding-DNA position 1390, C replaced by T.
Molecular consequence: intron variant.
Genome position (GRCh38, 1-based): chr9:134,738,470, C>T. VCF-style: chr9-134738470-C-T. GRCh37 (hg19) VCF-style: chr9-137630316-C-T.
Other names: p.?; c.1390-4C>T (NM_001278074.1).
Identifiers: ClinVar variation 507722 (VCV000507722.2), dbSNP rs1382134438, ClinGen allele CA658797369.